The following is an entry in ClinVar:

NM_032444.4(SLX4):c.4804A>G (p.Thr1602Ala)

Gene: SLX4 (SLX4 structure-specific endonuclease subunit; minus strand). Cytogenetic location: 16p13.3.
Variant type: single nucleotide variant.
Coding change: c.4804A>G on transcript NM_032444.4 (MANE Select); coding-DNA position 4804, A replaced by G.
Protein change: p.Thr1602Ala; replaces threonine 1602 with alanine.
Molecular consequence: missense variant.
Genome position (GRCh38, 1-based): chr16:3,583,446, T>C on the plus strand (A>G on the coding strand, the complement: SLX4 is on the minus strand). VCF-style: chr16-3583446-T-C. GRCh37 (hg19) VCF-style: chr16-3633447-T-C.
Other names: short protein forms T1602A.
Identifiers: ClinVar variation 2985985 (VCV002985985.3), dbSNP rs756198942, ClinGen allele CA394515347.

ClinVar aggregate classification (germline): Uncertain significance (1 of 4 stars; one submission).

Conditions:
Fanconi anemia (FA). Also called: Fanconi's anemia. Identifiers: Orphanet 84, MedGen C0015625, MeSH D005199, MONDO:0019391.

Submission:

Labcorp Genetics (formerly Invitae), Labcorp
Classification: Uncertain significance for Fanconi anemia. Last evaluated: 2022-12-29. Review status: criteria provided, single submitter. Criteria: Invitae Variant Classification Sherloc (09022015). Collection method: clinical testing. Allele origin: germline.
Comment: This sequence change replaces threonine, which is neutral and polar, with alanine, which is neutral and non-polar, at codon 1602 of the SLX4 protein (p.Thr1602Ala). This variant is not present in population databases (gnomAD no frequency). In summary, the available evidence is currently insufficient to determine the role of this variant in disease. Therefore, it has been classified as a Variant of Uncertain Significance. Algorithms developed to predict the effect of missense changes on protein structure and function (SIFT, PolyPhen-2, Align-GVGD) all suggest that this variant is likely to be disruptive. This variant has not been reported in the literature in individuals affected with SLX4-related conditions.